The following is an entry in ClinVar:

ClinVar aggregate classification (germline): Uncertain significance (1 of 4 stars; one submission).

Conditions:
Early-infantile DEE. Also called: Ohtahara syndrome; Early infantile epileptic encephalopathy with suppression bursts; Early infantile epileptic encephalopathy. Identifiers: Orphanet 1934, MedGen C0393706, MONDO:0800491.

Submission:

Labcorp Genetics (formerly Invitae), Labcorp
Classification: Uncertain significance for Early-infantile DEE. Last evaluated: 2024-10-22. Review status: criteria provided, single submitter. Criteria: Invitae Variant Classification Sherloc (09022015). Collection method: clinical testing. Allele origin: germline.
Comment: This sequence change replaces glutamic acid, which is acidic and polar, with glycine, which is neutral and non-polar, at codon 519 of the ARHGEF15 protein (p.Glu519Gly). This variant is not present in population databases (gnomAD no frequency). This variant has not been reported in the literature in individuals affected with ARHGEF15-related conditions. An algorithm developed to predict the effect of missense changes on protein structure and function (PolyPhen-2) suggests that this variant is likely to be disruptive. In summary, the available evidence is currently insufficient to determine the role of this variant in disease. Therefore, it has been classified as a Variant of Uncertain Significance.

NM_173728.4(ARHGEF15):c.1556A>G (p.Glu519Gly)

Gene: ARHGEF15 (Rho guanine nucleotide exchange factor 15; plus strand). Cytogenetic location: 17p13.1.
Variant type: single nucleotide variant.
Coding change: c.1556A>G on transcript NM_173728.4 (MANE Select); coding-DNA position 1556, A replaced by G.
Protein change: p.Glu519Gly; replaces glutamic acid 519 with glycine.
Molecular consequence: missense variant.
Genome position (GRCh38, 1-based): chr17:8,315,889, A>G. VCF-style: chr17-8315889-A-G. GRCh37 (hg19) VCF-style: chr17-8219207-A-G.
Other names: c.1556A>G, p.Glu519Gly (NM_025014.2); short protein forms E519G.
Identifiers: ClinVar variation 3713601 (VCV003713601.2).